The following is an entry in ClinVar:

ClinVar aggregate classification (germline): Conflicting classifications of pathogenicity. Review status: criteria provided, conflicting classifications (1 of 4 stars). 5 submissions from 5 submitters: Uncertain significance (1); Likely benign (4). Last evaluated 2026-05-01.

Conditions:
Autosomal recessive limb-girdle muscular dystrophy type 2U. Also called: Muscular dystrophy-dystroglycanopathy (limb-girdle), type c, 7; MUSCULAR DYSTROPHY, LIMB-GIRDLE, TYPE 2U. Identifiers: Orphanet 352479, MedGen C5190987, MONDO:0014474, OMIM 616052.
Muscular dystrophy-dystroglycanopathy (congenital with brain and eye anomalies), type A, 7. Also called: WALKER-WARBURG SYNDROME OR MUSCLE-EYE-BRAIN DISEASE, ISPD-RELATED; Congenital muscular dystrophy-dystroglycanopathy with brain and eye anomalies, type A7. Identifiers: Orphanet 899, MedGen C3553330, MONDO:0013835, OMIM 614643.

Allele frequency attached by ClinVar (database versions not stated): gnomAD exomes 0.00011; 1000 Genomes Project 30x 0.00062; TOPMed 0.00068; ExAC 0.00089.
gnomAD v4.1: 158 of 1,343,170 alleles (0.012%); highest among the groups gnomAD compares: African/African-American, 0.18%; no homozygotes.

Submissions (5):

CeGaT Center for Human Genetics Tuebingen
Classification: Likely benign. Last evaluated: 2026-05-01. Review status: criteria provided, single submitter. Criteria: CeGaT Center For Human Genetics Tuebingen Variant Classification Criteria Version 2. Collection method: clinical testing. Allele origin: germline. Affected: yes. Observed: 1 variant allele.
Comment: CRPPA: BP4, BP7

Labcorp Genetics (formerly Invitae), Labcorp
Classification: Likely benign for Muscular dystrophy-dystroglycanopathy (congenital with brain and eye anomalies), type A, 7; Autosomal recessive limb-girdle muscular dystrophy type 2U. Last evaluated: 2025-12-25. Review status: criteria provided, single submitter. Criteria: Invitae Variant Classification Sherloc (09022015). Collection method: clinical testing. Allele origin: germline.

Blueprint Genetics
Classification: Likely benign. Last evaluated: 2024-10-29. Review status: criteria provided, single submitter. Criteria: ACMG Guidelines, 2015. Collection method: clinical testing. Allele origin: germline.

GeneDx
Classification: Likely benign. Last evaluated: 2020-03-26. Review status: criteria provided, single submitter. Criteria: GeneDx Variant Classification Process June 2021. Collection method: clinical testing. Allele origin: germline. Affected: yes.

Eurofins Ntd Llc (ga)
Classification: Uncertain significance. Last evaluated: 2017-06-15. Review status: criteria provided, single submitter. Criteria: EGL Classification Definitions 2015. Collection method: clinical testing. Allele origin: germline. Observed: 3 variant alleles, 3 heterozygotes.

NM_001101426.4(CRPPA):c.123G>C (p.Gly41=)

Gene: CRPPA (CDP-L-ribitol pyrophosphorylase A; minus strand). Cytogenetic location: 7p21.2.
Variant type: single nucleotide variant.
Coding change: c.123G>C on transcript NM_001101426.4 (MANE Select); coding-DNA position 123, G replaced by C.
Protein change: p.Gly41=; no amino-acid change (glycine 41 retained).
Molecular consequence: synonymous variant. On other transcripts: non-coding transcript variant (1).
Genome position (GRCh38, 1-based): chr7:16,421,200, C>G on the plus strand (G>C on the coding strand, the complement: CRPPA is on the minus strand). VCF-style: chr7-16421200-C-G. GRCh37 (hg19) VCF-style: chr7-16460825-C-G.
Other names: c.123G>C, p.Gly41= (NM_001101417.4, NM_001368197.1).
Identifiers: ClinVar variation 288180 (VCV000288180.22), dbSNP rs761842188, ClinGen allele CA4169657.
Genomic context (GRCh38, chr7:16,421,200, plus strand): 5'-CCCCATCCTCTCCCCGCACCCCCCGGCAGGCAACACAGCTGCCACGGCTTGCGGGTGGCG[C>G]CCGGGCTCGGTCCCGGCCACGCTCTGCAGGGAGGCGGAAGCCGTGTGGTCCGCGCCGCGC-3'
Protein context (NP_001094896.1, residues 31-51): SLQSVAGTEP[Gly41=]RHPQAVAAVL